The following is an entry in ClinVar:

ClinVar aggregate classification (germline): Conflicting classifications of pathogenicity. Review status: criteria provided, conflicting classifications (1 of 4 stars). 2 submissions from 2 submitters: Likely pathogenic (1); Uncertain significance (1). Last evaluated 2024-06-18.

Conditions:
2-aminoadipic 2-oxoadipic aciduria (AAKAD). Also called: Aminoadipic aciduria; ALPHA-AMINOADIPIC AND ALPHA-KETOADIPIC ACIDURIA. Identifiers: Orphanet 79154, MedGen C1859817, MONDO:0008774, OMIM 204750.

gnomAD v4.1: 23 of 1,614,138 alleles (0.0014%); highest among the groups gnomAD compares: South Asian, 0.0022%; no homozygotes.

Submissions (2):

Labcorp Genetics (formerly Invitae), Labcorp
Classification: Uncertain significance for 2-aminoadipic 2-oxoadipic aciduria. Last evaluated: 2024-06-18. Review status: criteria provided, single submitter. Criteria: Invitae Variant Classification Sherloc (09022015). Collection method: clinical testing. Allele origin: germline.
Comment: This sequence change replaces arginine, which is basic and polar, with cysteine, which is neutral and slightly polar, at codon 302 of the DHTKD1 protein (p.Arg302Cys). This variant is present in population databases (no rsID available, gnomAD 0.0008%). This variant has not been reported in the literature in individuals affected with DHTKD1-related conditions. Advanced modeling of protein sequence and biophysical properties (such as structural, functional, and spatial information, amino acid conservation, physicochemical variation, residue mobility, and thermodynamic stability) performed at Invitae indicates that this missense variant is not expected to disrupt DHTKD1 protein function with a negative predictive value of 80%. In summary, the available evidence is currently insufficient to determine the role of this variant in disease. Therefore, it has been classified as a Variant of Uncertain Significance.

Clinical Genetics Service, Universitary Hospital 12 de Octubre
Classification: Likely pathogenic for 2-aminoadipic 2-oxoadipic aciduria. Review status: criteria provided, single submitter. Criteria: ACMG Guidelines, 2015. Collection method: clinical testing. Allele origin: maternal. Affected: yes.

NM_018706.7(DHTKD1):c.904C>T (p.Arg302Cys)

Gene: DHTKD1 (dehydrogenase E1 and transketolase domain containing 1; plus strand). Cytogenetic location: 10p14.
Variant type: single nucleotide variant.
Coding change: c.904C>T on transcript NM_018706.7 (MANE Select); coding-DNA position 904, C replaced by T.
Protein change: p.Arg302Cys; replaces arginine 302 with cysteine.
Molecular consequence: missense variant.
Genome position (GRCh38, 1-based): chr10:12,089,172, C>T. VCF-style: chr10-12089172-C-T. GRCh37 (hg19) VCF-style: chr10-12131171-C-T.
Other names: c.904C>T (NM_018706.6); short protein forms R302C.
Identifiers: ClinVar variation 3630327 (VCV003630327.3).